The following is an entry in ClinVar:

NM_080680.3(COL11A2):c.-1C>G

Gene: COL11A2 (collagen type XI alpha 2 chain; minus strand). Cytogenetic location: 6p21.32.
Variant type: single nucleotide variant.
Coding change: c.-1C>G on transcript NM_080680.3 (MANE Select); 1 bases upstream of the start codon, C replaced by G.
Molecular consequence: 5 prime UTR variant. On other transcripts: intron variant (1).
Genome position (GRCh38, 1-based): chr6:33,192,241, G>C on the plus strand (C>G on the coding strand, the complement: COL11A2 is on the minus strand). VCF-style: chr6-33192241-G-C. GRCh37 (hg19) VCF-style: chr6-33160018-G-C.
Other names: c.-1C>G (NM_001163771.2, NM_001424108.1, NM_080679.3 and 1 more transcripts); c.-765+784C>G (NM_001424111.1).
Identifiers: ClinVar variation 3361827 (VCV003361827.1).

ClinVar aggregate classification (germline): Uncertain significance (1 of 4 stars; one submission).

gnomAD v4.1: 4 of 1,557,388 alleles (0.00026%); highest among the groups gnomAD compares: Admixed American, 0.0058%; no homozygotes.

Submission:

GeneDx
Classification: Uncertain significance. Last evaluated: 2023-07-31. Review status: criteria provided, single submitter. Criteria: GeneDx Variant Classification Process June 2021. Collection method: clinical testing. Allele origin: germline. Affected: yes.
Comment: Has not been previously published as pathogenic or benign to our knowledge; Not observed at significant frequency in large population cohorts (gnomAD); Nucleotide substitution has no predicted effect on splicing and is not conserved across species